The following is an entry in ClinVar:

NM_000324.3(RHAG):c.1212+5T>C

Gene: RHAG (Rh associated glycoprotein; minus strand). Cytogenetic location: 6p12.3.
Variant type: single nucleotide variant.
Coding change: c.1212+5T>C on transcript NM_000324.3 (MANE Select); 5 bases into the intron after coding-DNA position 1212, T replaced by C.
Molecular consequence: intron variant.
Genome position (GRCh38, 1-based): chr6:49,606,843, A>G on the plus strand (T>C on the coding strand, the complement: RHAG is on the minus strand). VCF-style: chr6-49606843-A-G. GRCh37 (hg19) VCF-style: chr6-49574556-A-G.
Identifiers: ClinVar variation 2727778 (VCV002727778.22), dbSNP rs200975172, ClinGen allele CA3847698.

ClinVar aggregate classification (germline): Benign/Likely benign. Review status: criteria provided, multiple submitters, no conflicts (2 of 4 stars). 3 submissions from 3 submitters: Benign (1); Likely benign (2). Last evaluated 2026-06-01.

Allele frequency attached by ClinVar (database versions not stated): ESP Exome Variant Server 0.00038; ExAC 0.00089.

Submissions (3):

CeGaT Center for Human Genetics Tuebingen
Classification: Likely benign. Last evaluated: 2026-06-01. Review status: criteria provided, single submitter. Criteria: CeGaT Center For Human Genetics Tuebingen Variant Classification Criteria Version 2. Collection method: clinical testing. Allele origin: germline. Affected: yes. Observed: 2 variant alleles.
Comment: RHAG: BP4, BS2

Labcorp Genetics (formerly Invitae), Labcorp
Classification: Benign. Last evaluated: 2026-01-19. Review status: criteria provided, single submitter. Criteria: Invitae Variant Classification Sherloc (09022015). Collection method: clinical testing. Allele origin: germline.

Blueprint Genetics
Classification: Likely benign. Last evaluated: 2024-11-26. Review status: criteria provided, single submitter. Criteria: ACMG Guidelines, 2015. Collection method: clinical testing. Allele origin: germline.